The following is an entry in ClinVar:

ClinVar aggregate classification (germline): Uncertain significance (1 of 4 stars; one submission).

Allele frequency attached by ClinVar (database versions not stated): gnomAD exomes 0.00001 and 0.00002; TOPMed 0.00002; gnomAD 0.00004.
gnomAD v4.1: 34 of 1,613,986 alleles (0.0021%); highest among the groups gnomAD compares: African/African-American, 0.004%; no homozygotes.

Submission:

Genetic Services Laboratory, University of Chicago
Classification: Uncertain significance. Last evaluated: 2021-12-14. Review status: criteria provided, single submitter. Criteria: ACMG Guidelines, 2015. Collection method: clinical testing. Allele origin: germline. Affected: no.
Comment: This sequence change does not appear to have been previously described in individuals with TET2-related disorders. This sequence change has been described in the gnomAD database in two heterozygous individuals which corresponds to a population frequency of 0.00080% (dbSNP rs1173700891). The p.Glu1010Lys change affects a moderately conserved amino acid residue located in a domain of the TET2 protein that is not known to be functional. In-silico pathogenicity prediction tools (SIFT, PolyPhen2, Align GVGD, REVEL) provide contradictory results for the p.Glu1010Lys substitution. Due to insufficient evidence and the lack of functional studies, the clinical significance of the p.Glu1010Lys change remains unknown at this time.

NM_001127208.3(TET2):c.3028G>A (p.Glu1010Lys)

Genes: TET2 (tet methylcytosine dioxygenase 2; plus strand), TET2-AS1 (TET2 antisense RNA 1; minus strand). Cytogenetic location: 4q24.
Variant type: single nucleotide variant.
Coding change: c.3028G>A on transcript NM_001127208.3 (MANE Select); coding-DNA position 3028, G replaced by A.
Protein change: p.Glu1010Lys; replaces glutamic acid 1010 with lysine.
Molecular consequence: missense variant.
Genome position (GRCh38, 1-based): chr4:105,236,970, G>A. VCF-style: chr4-105236970-G-A. GRCh37 (hg19) VCF-style: chr4-106158127-G-A.
Other names: c.3028G>A, p.Glu1010Lys (NM_017628.4); short protein forms E1010K.
Identifiers: ClinVar variation 1336522 (VCV001336522.4), dbSNP rs1173700891, ClinGen allele CA357801336.